The following is an entry in ClinVar:

NM_019109.5(ALG1):c.741-9C>T

Gene: ALG1 (ALG1 chitobiosyldiphosphodolichol beta-mannosyltransferase; plus strand). Cytogenetic location: 16p13.3.
Variant type: single nucleotide variant.
Coding change: c.741-9C>T on transcript NM_019109.5 (MANE Select); 9 bases into the intron before coding-DNA position 741, C replaced by T.
Molecular consequence: intron variant.
Genome position (GRCh38, 1-based): chr16:5,078,748, C>T. VCF-style: chr16-5078748-C-T. GRCh37 (hg19) VCF-style: chr16-5128749-C-T.
Other names: c.741-9C>T (NM_019109.4); c.408-9C>T (NM_001330504.2).
Identifiers: ClinVar variation 2971818 (VCV002971818.6), dbSNP rs746690656, ClinGen allele CA7890001.
Genomic context (GRCh38, chr16:5,078,748, plus strand): 5'-AGGAGATGCCTCTCCTGGGTCCCGGGCCTGCTCTATGGCCTCTCACAGGCTTTTTTTCTG[C>T]TCCTTCAGCTCAGAACCTGAGGACCCAGTCACGGAGCGGTCGGCCTTCACGGAGCGGGAT-3'

ClinVar aggregate classification (germline): Conflicting classifications of pathogenicity. Review status: criteria provided, conflicting classifications (1 of 4 stars). 3 submissions from 3 submitters: Uncertain significance (1); Likely benign (1). 1 of the submissions does not count toward it. Last evaluated 2024-02-19.

Conditions:
ALG1-related disorder. Also called: ALG1-related condition.
ALG1-congenital disorder of glycosylation. Also called: ALG1-CDG; CONGENITAL DISORDER OF GLYCOSYLATION, TYPE Ik; CDG Ik. Identifiers: Orphanet 79327, MedGen C2931005, MONDO:0012052, OMIM 608540.

Allele frequency attached by ClinVar (database versions not stated): gnomAD exomes 0.00001; ExAC 0.00002.

Submissions (3):

Fulgent Genetics
Classification: Uncertain significance for ALG1-congenital disorder of glycosylation. Last evaluated: 2024-02-19. Review status: criteria provided, single submitter. Criteria: ACMG Guidelines, 2015. Collection method: clinical testing. Allele origin: germline.

Labcorp Genetics (formerly Invitae), Labcorp
Classification: Likely benign for ALG1-congenital disorder of glycosylation. Last evaluated: 2023-08-23. Review status: criteria provided, single submitter. Criteria: Invitae Variant Classification Sherloc (09022015). Collection method: clinical testing. Allele origin: germline.

PreventionGenetics, part of Exact Sciences
Classification: Likely benign for ALG1-related condition. Last evaluated: 2021-06-11. Review status: no assertion criteria provided. Collection method: clinical testing. Allele origin: germline. Not counted in ClinVar's aggregate classification.
Comment: This variant is classified as likely benign based on ACMG/AMP sequence variant interpretation guidelines (Richards et al. 2015 PMID: 25741868, with internal and published modifications).